The following is an entry in ClinVar:

ClinVar aggregate classification (germline): Uncertain significance. Review status: criteria provided, multiple submitters, no conflicts (2 of 4 stars). 4 submissions from 4 submitters: Uncertain significance (2). 2 of the submissions do not count toward it. Last evaluated 2025-01-27.

Conditions:
Self-limited epilepsy with centrotemporal spikes. Also called: Childhood epilepsy with centrotemporal spikes; Rolandic epilepsy. Identifiers: Orphanet 1945, MedGen C0376532, MONDO:0007295.
SZT2-related disorder. Also called: SZT2-related condition.

Allele frequency attached by ClinVar (database versions not stated): gnomAD 0.00001 and 0.00003; TOPMed 0.00002; ExAC 0.00009; 1000 Genomes Project 30x 0.00031; 1000 Genomes Project 0.00040.
gnomAD v4.1: 49 of 1,614,210 alleles (0.003%); highest among the groups gnomAD compares: South Asian, 0.029%; no homozygotes.

Submissions (4):

Labcorp Genetics (formerly Invitae), Labcorp
Classification: Uncertain significance. Last evaluated: 2025-01-27. Review status: criteria provided, single submitter. Criteria: Invitae Variant Classification Sherloc (09022015). Collection method: clinical testing. Allele origin: germline.
Comment: This sequence change replaces arginine, which is basic and polar, with histidine, which is basic and polar, at codon 1665 of the SZT2 protein (p.Arg1665His). This variant is present in population databases (rs562214305, gnomAD 0.05%). This variant has not been reported in the literature in individuals affected with SZT2-related conditions. ClinVar contains an entry for this variant (Variation ID: 433090). Invitae Evidence Modeling of protein sequence and biophysical properties (such as structural, functional, and spatial information, amino acid conservation, physicochemical variation, residue mobility, and thermodynamic stability) indicates that this missense variant is expected to disrupt SZT2 protein function with a positive predictive value of 80%. In summary, the available evidence is currently insufficient to determine the role of this variant in disease. Therefore, it has been classified as a Variant of Uncertain Significance.

Blueprint Genetics
Classification: Uncertain significance. Last evaluated: 2023-12-27. Review status: criteria provided, single submitter. Criteria: ACMG Guidelines, 2015. Collection method: clinical testing. Allele origin: germline.

PreventionGenetics, part of Exact Sciences
Classification: Uncertain significance for SZT2-related condition. Last evaluated: 2024-07-24. Review status: no assertion criteria provided. Collection method: clinical testing. Allele origin: germline. Not counted in ClinVar's aggregate classification.
Comment: The SZT2 c.4994G>A variant is predicted to result in the amino acid substitution p.Arg1665His. This variant has been reported in the heterozygous state in an individual from a exome-wide survey of individuals with typical and atypical Rolandic epilepsy; no additional studies were performed to assess its pathogenicity (Supplemental Table 1, Bobbili et al. 2018. PubMed ID: 29358611). This variant is reported in 0.049% of alleles in individuals of South Asian descent in gnomAD. At this time, the clinical significance of this variant is uncertain due to the absence of conclusive functional and genetic evidence.

Bioinformatics Core, Luxembourg Center for Systems Biomedicine
Classification: Pathogenic for Self-limited epilepsy with centrotemporal spikes. Last evaluated: 2017-01-01. Review status: no assertion criteria provided. Collection method: case-control. Allele origin: germline. Affected: yes. Study: EUROEPINOMICS COGIE. Not counted in ClinVar's aggregate classification.

Literature cited by the submitters: PubMed 29358611 (cited by Bioinformatics Core, Luxembourg Center for Systems Biomedicine).

NM_001365999.1(SZT2):c.5165G>A (p.Arg1722His)

Gene: SZT2 (SZT2 subunit of KICSTOR complex; plus strand). Cytogenetic location: 1p34.2.
Variant type: single nucleotide variant.
Coding change: c.5165G>A on transcript NM_001365999.1 (MANE Select); coding-DNA position 5165, G replaced by A.
Protein change: p.Arg1722His; replaces arginine 1722 with histidine.
Molecular consequence: missense variant.
Genome position (GRCh38, 1-based): chr1:43,431,792, G>A. VCF-style: chr1-43431792-G-A. GRCh37 (hg19) VCF-style: chr1-43897463-G-A.
Other names: c.4994G>A, p.Arg1665His (NM_015284.4); short protein forms R1665H, R1722H.
Identifiers: ClinVar variation 433090 (VCV000433090.10), dbSNP rs562214305, ClinGen allele CA809501.